The following is an entry in ClinVar:

NM_001966.4(EHHADH):c.1467C>T (p.Tyr489=)

Gene: EHHADH (enoyl-CoA hydratase and 3-hydroxyacyl CoA dehydrogenase; minus strand). Cytogenetic location: 3q27.2.
Variant type: single nucleotide variant.
Coding change: c.1467C>T on transcript NM_001966.4 (MANE Select); coding-DNA position 1467, C replaced by T.
Protein change: p.Tyr489=; no amino-acid change (tyrosine 489 retained).
Molecular consequence: synonymous variant.
Genome position (GRCh38, 1-based): chr3:185,192,931, G>A on the plus strand (C>T on the coding strand, the complement: EHHADH is on the minus strand). VCF-style: chr3-185192931-G-A. GRCh37 (hg19) VCF-style: chr3-184910719-G-A.
Other names: c.1179C>T, p.Tyr393= (NM_001166415.2).
Identifiers: ClinVar variation 4989690 (VCV004989690.1).

ClinVar aggregate classification (germline): Likely benign (1 of 4 stars; one submission).

Conditions:
EHHADH-related disorder. Also called: EHHADH-related condition.

gnomAD v4.1: 7 of 1,613,848 alleles (0.00043%); highest among the groups gnomAD compares: Admixed American, 0.01%; no homozygotes.

Submission:

PreventionGenetics, part of Exact Sciences
Classification: Likely benign for EHHADH-related condition. Last evaluated: 2026-01-21. Review status: criteria provided, single submitter. Criteria: ACMG Guidelines, 2015. Collection method: clinical testing. Allele origin: germline.
Comment: This variant is classified as likely benign based on ACMG/AMP sequence variant interpretation guidelines (Richards et al. 2015 PMID: 25741868, with internal and published modifications).